The following is an entry in ClinVar:

NM_144599.5(NIPA1):c.263C>T (p.Thr88Met)

Gene: NIPA1 (NIPA magnesium transporter 1; plus strand). Cytogenetic location: 15q11.2.
Variant type: single nucleotide variant.
Coding change: c.263C>T on transcript NM_144599.5 (MANE Select); coding-DNA position 263, C replaced by T.
Protein change: p.Thr88Met; replaces threonine 88 with methionine.
Molecular consequence: missense variant.
Genome position (GRCh38, 1-based): chr15:22,812,199, C>T. VCF-style: chr15-22812199-C-T. GRCh37 (hg19) VCF-style: chr15-23060869-G-A.
Other names: c.38C>T, p.Thr13Met (NM_001142275.1); short protein forms T88M, T13M.
Identifiers: ClinVar variation 646108 (VCV000646108.12), dbSNP rs755718518, ClinGen allele CA7426153.

ClinVar aggregate classification (germline): Uncertain significance. Review status: criteria provided, multiple submitters, no conflicts (2 of 4 stars). 2 submissions from 2 submitters: Uncertain significance (2). Last evaluated 2023-06-17.

Conditions:
Hereditary spastic paraplegia 6 (SPG6). Also called: SPASTIC PARAPLEGIA 6, AUTOSOMAL DOMINANT. Identifiers: Orphanet 100988, MedGen C1838192, MONDO:0010878, OMIM 600363.

Allele frequency attached by ClinVar (database versions not stated): gnomAD 0.00001; TOPMed 0.00001; gnomAD exomes 0.00002; ExAC 0.00003.

Submissions (2):

Labcorp Genetics (formerly Invitae), Labcorp
Classification: Uncertain significance for Hereditary spastic paraplegia 6. Last evaluated: 2023-06-17. Review status: criteria provided, single submitter. Criteria: Invitae Variant Classification Sherloc (09022015). Collection method: clinical testing. Allele origin: germline.
Comment: An algorithm developed to predict the effect of missense changes on protein structure and function (PolyPhen-2) suggests that this variant is likely to be disruptive. ClinVar contains an entry for this variant (Variation ID: 646108). This variant has not been reported in the literature in individuals affected with NIPA1-related conditions. This variant is present in population databases (rs755718518, gnomAD 0.004%). This sequence change replaces threonine, which is neutral and polar, with methionine, which is neutral and non-polar, at codon 88 of the NIPA1 protein (p.Thr88Met). In summary, the available evidence is currently insufficient to determine the role of this variant in disease. Therefore, it has been classified as a Variant of Uncertain Significance.

Illumina Laboratory Services, Illumina
Classification: Uncertain significance for Hereditary spastic paraplegia 6. Last evaluated: 2018-01-13. Review status: criteria provided, single submitter. Criteria: ICSL Variant Classification Criteria 13 December 2019. Collection method: clinical testing. Allele origin: germline.